The following is an entry in ClinVar:

ClinVar aggregate classification (germline): Pathogenic/Likely pathogenic. Review status: criteria provided, multiple submitters, no conflicts (2 of 4 stars). 13 submissions from 13 submitters: Pathogenic (10); Likely pathogenic (1). 2 of the submissions do not count toward it. Last evaluated 2025-10-30.

Conditions:
ABCA4-related disorder. Also called: ABCA4-related disorders; ABCA4-related condition. Identifiers: MedGen CN239167.
Autosomal recessive ABCA4-related disorders.
Retinal dystrophy. Also called: Inherited retinal dystrophy. Identifiers: Orphanet 71862, MedGen C0854723, MeSH D058499, MONDO:0019118, HP:0000556.
Retinitis pigmentosa (RP). Identifiers: Orphanet 791, MedGen C0035334, MeSH D012174, MONDO:0019200, OMIM 268000. Inheritance: Autosomal dominant, autosomal recessive and X linked inheritance.
Stargardt disease (FFM). Also called: Stargardt's disease; Fundus flavimaculatus. Identifiers: Orphanet 827, MedGen C0271093, MONDO:0019353.
Severe early-childhood-onset retinal dystrophy (STGD1). Also called: MACULAR DYSTROPHY WITH FLECKS, TYPE 1; STGD; Stargardt macular dystrophy; Juvenile onset macular degeneration; Stargardt disease 1. Identifiers: Orphanet 364055, Orphanet 827, MedGen C1855465, MeSH D000080362, MONDO:0009549, OMIM 248200.

Allele frequency attached by ClinVar (database versions not stated): gnomAD 0.00001; TOPMed 0.00001; ExAC 0.00001; gnomAD exomes 0.00001.
gnomAD v4.1: 10 of 1,613,898 alleles (0.00062%); highest among the groups gnomAD compares: Admixed American, 0.0033%; no homozygotes.

Submissions (13):

Labcorp Genetics (formerly Invitae), Labcorp
Classification: Pathogenic. Last evaluated: 2025-10-30. Review status: criteria provided, single submitter. Criteria: Invitae Variant Classification Sherloc (09022015). Collection method: clinical testing. Allele origin: germline.
Comment: This sequence change replaces glycine, which is neutral and non-polar, with serine, which is neutral and polar, at codon 1977 of the ABCA4 protein (p.Gly1977Ser). This variant is present in population databases (rs61750639, gnomAD 0.003%). This missense change has been observed in individual(s) with Stargardt disease (PMID: 9781034, 23755871, 27739528, 29925512). In at least one individual the data is consistent with being in trans (on the opposite chromosome) from a pathogenic variant. ClinVar contains an entry for this variant (Variation ID: 99421). Invitae Evidence Modeling of protein sequence and biophysical properties (such as structural, functional, and spatial information, amino acid conservation, physicochemical variation, residue mobility, and thermodynamic stability) indicates that this missense variant is expected to disrupt ABCA4 protein function with a positive predictive value of 95%. For these reasons, this variant has been classified as Pathogenic.

Variantyx, Inc.
Classification: Pathogenic for Autosomal recessive ABCA4-related disorders. Last evaluated: 2025-06-23. Review status: criteria provided, single submitter. Criteria: Variantyx Assertion Criteria 2022. Collection method: clinical testing. Allele origin: germline. Inheritance: Autosomal recessive inheritance. Affected: yes.
Comment: This is a nonsynonymous variant in the ABCA4 gene (OMIM: 601691). Pathogenic variants in this gene have been associated with autosomal recessive ABCA4-related disorders. Functional studies have shown that this variant alters ABCA4 protein function (PMID: 32845050 , 11017087) (PS3) and multiple computational algorithms predict a deleterious effect for this variant (REVEL score: 0.987) (PP3). This variant lies within a known hotspot for pathogenic variants or a well-established critical functional domain of the ABCA4 protein (PM1). This variant has a 0.0033% maximum allele frequency in non-founder control populations (PM2). Based on the current evidence, this variant is classified as pathogenic for autosomal recessive ABCA4-related disorders.

SingHealth Duke-NUS Institute of Precision Medicine
Classification: Pathogenic for Severe early-childhood-onset retinal dystrophy. Last evaluated: 2025-02-05. Review status: criteria provided, single submitter. Criteria: PRISM ACMG Classification Criteria. Collection method: clinical testing. Allele origin: germline. Affected: yes.
Comment: Variant is located in a mutational hotspot where >50% of variants are pathogenic (PM1). Prevalence in affected patient is higher than in general population (PS4). REVEL score is 0.987 (PP3_str). Variant was observed in trans with another pathogenic variant (PM3, PMID:23755871)

Blueprint Genetics
Classification: Pathogenic for ABCA4-related disorders. Last evaluated: 2024-11-19. Review status: criteria provided, single submitter. Criteria: ACMG Guidelines, 2015. Collection method: clinical testing. Allele origin: germline. Affected: yes. Observed: 5 variant alleles.

Women's Health and Genetics/Laboratory Corporation of America, LabCorp
Classification: Pathogenic for Stargardt disease. Last evaluated: 2024-11-15. Review status: criteria provided, single submitter. Criteria: LabCorp Variant Classification Summary - May 2015. Collection method: clinical testing. Allele origin: germline.
Comment: Variant summary: ABCA4 c.5929G>A (p.Gly1977Ser) results in a non-conservative amino acid change located in the ATP-binding cassette, ABC transporter-type domain profile (IPR003439) of the encoded protein sequence. Five of five in-silico tools predict a damaging effect of the variant on protein function. The variant allele was found at a frequency of 8e-06 in 250740 control chromosomes. c.5929G>A has been reported in the literature in multiple individuals affected with Stargardt Disease and related conditions (e.g. Fujinami_2019, Riveiro-Alvarez_2013) . These data indicate that the variant is very likely to be associated with disease. At least one publication reports experimental evidence evaluating an impact on protein function. The most pronounced variant effect results in severely reduced ATPase activity (Curtis_2020). The following publications have been ascertained in the context of this evaluation (PMID: 32845050, 29925512, 23755871). ClinVar contains an entry for this variant (Variation ID: 99421). Based on the evidence outlined above, the variant was classified as pathogenic.

Lab De Baere, Eye and Developmental Genetics Lab, Ghent University
Classification: Pathogenic for Stargardt disease. Last evaluated: 2024-10-01. Review status: criteria provided, single submitter. Criteria: ACMG Guidelines, 2015. Collection method: research. Allele origin: inherited. Affected: yes. Observed: 1 variant allele.
Comment: ACMG/AMP guidelines: PM2, PM5, PS3, PP1, PM3_PVS

GeneDx
Classification: Pathogenic. Last evaluated: 2024-01-04. Review status: criteria provided, single submitter. Criteria: GeneDx Variant Classification Process June 2021. Collection method: clinical testing. Allele origin: germline. Affected: yes.
Comment: Published functional studies demonstrate a damaging effect with significantly reduced ATPase activity compared to wild type (PMID: 11017087); Not observed at a significant frequency in large population cohorts (gnomAD); In silico analysis supports that this missense variant has a deleterious effect on protein structure/function; This variant is associated with the following publications: (PMID: 28365912, 31429209, 23755871, 19028736, 11527935, 17325136, 10958763, 27739528, 29555955, 9781034, 16917483, 29925512, 32141364, 31456290, 32845050, 31589614, 32619608, 34327195, 35119454, 11017087)

Dept Of Ophthalmology, Nagoya University
Classification: Pathogenic for Retinal dystrophy. Last evaluated: 2023-10-01. Review status: criteria provided, single submitter. Criteria: Submitter's publication. Collection method: research. Allele origin: germline. Affected: yes.

Institute of Medical Genetics and Applied Genomics, University Hospital Tübingen
Classification: Pathogenic. Last evaluated: 2020-10-23. Review status: criteria provided, single submitter. Criteria: ACMG Guidelines, 2015. Collection method: clinical testing. Allele origin: germline. Inheritance: Autosomal recessive inheritance. Affected: yes.

Institute of Human Genetics, Univ. Regensburg, Univ. Regensburg
Classification: Likely pathogenic for Retinal dystrophy. Last evaluated: 2013-01-01. Review status: criteria provided, single submitter. Criteria: ACMG Guidelines, 2015. Collection method: clinical testing. Allele origin: germline. Affected: yes.

Clinical Genetics Service, Universitary Hospital 12 de Octubre
Classification: Pathogenic for Severe early-childhood-onset retinal dystrophy. Review status: criteria provided, single submitter. Criteria: ACMG Guidelines, 2015. Collection method: clinical testing. Allele origin: germline. Affected: yes.

Sharon lab, Hadassah-Hebrew University Medical Center
Classification: Likely pathogenic for Retinitis pigmentosa. Last evaluated: 2019-06-23. Review status: no assertion criteria provided. Collection method: research. Allele origin: inherited. Affected: yes. Not counted in ClinVar's aggregate classification.

Retina International
No classification provided. Review status: no classification provided. Collection method: not provided. Allele origin: not provided. Not counted in ClinVar's aggregate classification.

Literature cited by the submitters: PubMed 9781034 (cited by Labcorp Genetics (formerly Invitae), Labcorp and Institute of Human Genetics, Univ. Regensburg, Univ. Regensburg); PubMed 23755871 (cited by 5 submitters); PubMed 27739528 (cited by Labcorp Genetics (formerly Invitae), Labcorp and Institute of Human Genetics, Univ. Regensburg, Univ. Regensburg); PubMed 29925512 (cited by 3 submitters); PubMed 32845050 (cited by 3 submitters); PubMed 11017087 (cited by Variantyx, Inc.); PubMed 29555955 (cited by Institute of Human Genetics, Univ. Regensburg, Univ. Regensburg); PubMed 31589614 (cited by Institute of Human Genetics, Univ. Regensburg, Univ. Regensburg); PubMed 31213501 (cited by Institute of Human Genetics, Univ. Regensburg, Univ. Regensburg); PubMed 32619608 (cited by Institute of Human Genetics, Univ. Regensburg, Univ. Regensburg); PubMed 31964843 (cited by Institute of Human Genetics, Univ. Regensburg, Univ. Regensburg); PubMed 31429209 (cited by Institute of Human Genetics, Univ. Regensburg, Univ. Regensburg); PubMed 32307445 (cited by Institute of Human Genetics, Univ. Regensburg, Univ. Regensburg); PubMed 31456290 (cited by Institute of Human Genetics, Univ. Regensburg, Univ. Regensburg); PubMed 32141364 (cited by Institute of Human Genetics, Univ. Regensburg, Univ. Regensburg); PubMed 34327195 (cited by Institute of Human Genetics, Univ. Regensburg, Univ. Regensburg); PubMed 35119454 (cited by Institute of Human Genetics, Univ. Regensburg, Univ. Regensburg); PubMed 36460718 (cited by Institute of Human Genetics, Univ. Regensburg, Univ. Regensburg).

NM_000350.3(ABCA4):c.5929G>A (p.Gly1977Ser)

Gene: ABCA4 (ATP binding cassette subfamily A member 4; minus strand). Cytogenetic location: 1p22.1.
Variant type: single nucleotide variant.
Coding change: c.5929G>A on transcript NM_000350.3 (MANE Select); coding-DNA position 5929, G replaced by A.
Protein change: p.Gly1977Ser; replaces glycine 1977 with serine.
Molecular consequence: missense variant.
Genome position (GRCh38, 1-based): chr1:94,007,710, C>T on the plus strand (G>A on the coding strand, the complement: ABCA4 is on the minus strand). VCF-style: chr1-94007710-C-T. GRCh37 (hg19) VCF-style: chr1-94473266-C-T.
Other names: c.5707G>A, p.Gly1903Ser (NM_001425324.1); short protein forms G1977S, G1903S.
Identifiers: ClinVar variation 99421 (VCV000099421.25), dbSNP rs61750639, ClinGen allele CA227357.